The following is an entry in ClinVar:

NM_000071.3(CBS):c.677C>A (p.Ala226Asp)

Gene: CBS (cystathionine beta-synthase; minus strand). Cytogenetic location: 21q22.3.
Variant type: single nucleotide variant.
Coding change: c.677C>A on transcript NM_000071.3 (MANE Select); coding-DNA position 677, C replaced by A.
Protein change: p.Ala226Asp; replaces alanine 226 with aspartic acid.
Molecular consequence: missense variant.
Genome position (GRCh38, 1-based): chr21:43,065,262, G>T on the plus strand (C>A on the coding strand, the complement: CBS is on the minus strand). VCF-style: chr21-43065262-G-T. GRCh37 (hg19) VCF-style: chr21-44485372-G-T.
Other names: c.677C>A, p.Ala226Asp (NM_001178008.3, NM_001178009.3, NM_001320298.2); c.362C>A, p.Ala121Asp (NM_001321072.1); short protein forms A121D, A226D.
Identifiers: ClinVar variation 2781936 (VCV002781936.6), dbSNP rs2517443210, ClinGen allele CA410600643.
Genomic context (GRCh38, chr21:43,065,262, plus strand): 5'-CCATCACACTGCTGCAGGATCTCATCAGCGGTGGTGTCGTAGTGAGCCAGGGGGTTGCTG[G>T]CGTTGCGGTACTGCATAGAAAGAGAGCAGAGCCCGTGAGCTGACCCCTGACACCTCAGTC-3'
Protein context (NP_000062.1, residues 216-236): NSHILDQYRN[Ala226Asp]SNPLAHYDTT

ClinVar aggregate classification (germline): Conflicting classifications of pathogenicity. Review status: criteria provided, conflicting classifications (1 of 4 stars). 3 submissions from 3 submitters: Likely pathogenic (1); Uncertain significance (2). Last evaluated 2025-04-07.

Conditions:
Familial thoracic aortic aneurysm and aortic dissection (TAAD). Also called: Thoracic aortic aneurysms and dissections. Identifiers: Orphanet 91387, MedGen C4707243, MONDO:0019625.
HYPERHOMOCYSTEINEMIA, THROMBOTIC, CBS-RELATED. Identifiers: MedGen C3150344, OMIM 236200.

Allele frequency attached by ClinVar (database versions not stated): gnomAD exomes below 0.00001.
gnomAD v4.1: 2 of 1,409,660 alleles (0.00014%); highest among the groups gnomAD compares: Non-Finnish European, 0.0002%; no homozygotes.

Submissions (3):

Women's Health and Genetics/Laboratory Corporation of America, LabCorp
Classification: Uncertain significance. Last evaluated: 2025-04-07. Review status: criteria provided, single submitter. Criteria: LabCorp Variant Classification Summary - May 2015. Collection method: clinical testing. Allele origin: germline.
Comment: Variant summary: CBS c.677C>A (p.Ala226Asp) results in a non-conservative amino acid change in the encoded protein sequence. Four of five in-silico tools predict a damaging effect of the variant on protein function. The variant was absent in 251378 control chromosomes. The available data on variant occurrences in the general population are insufficient to allow any conclusion about variant significance. To our knowledge, no occurrence of c.677C>A in individuals affected with Homocystinuria and no experimental evidence demonstrating its impact on protein function have been reported. ClinVar contains an entry for this variant (Variation ID: 2781936). Based on the evidence outlined above, the variant was classified as uncertain significance.

Ambry Genetics
Classification: Uncertain significance for Familial thoracic aortic aneurysm and aortic dissection. Last evaluated: 2024-11-20. Review status: criteria provided, single submitter. Criteria: Ambry Variant Classification Scheme 2023. Collection method: clinical testing. Allele origin: germline.
Comment: The p.A226D variant (also known as c.677C>A), located in coding exon 6 of the CBS gene, results from a C to A substitution at nucleotide position 677. The alanine at codon 226 is replaced by aspartic acid, an amino acid with dissimilar properties. This amino acid position is well conserved in available vertebrate species. In addition, the in silico prediction for this alteration is inconclusive. Based on the available evidence, the clinical significance of this variant remains unclear.

Labcorp Genetics (formerly Invitae), Labcorp
Classification: Likely pathogenic for HYPERHOMOCYSTEINEMIA, THROMBOTIC, CBS-RELATED. Last evaluated: 2023-03-27. Review status: criteria provided, single submitter. Criteria: Invitae Variant Classification Sherloc (09022015). Collection method: clinical testing. Allele origin: germline.
Comment: This sequence change replaces alanine, which is neutral and non-polar, with aspartic acid, which is acidic and polar, at codon 226 of the CBS protein (p.Ala226Asp). This variant is not present in population databases (gnomAD no frequency). This variant has not been reported in the literature in individuals affected with CBS-related conditions. Advanced modeling of protein sequence and biophysical properties (such as structural, functional, and spatial information, amino acid conservation, physicochemical variation, residue mobility, and thermodynamic stability) performed at Invitae indicates that this missense variant is expected to disrupt CBS protein function. This variant disrupts the p.Ala226 amino acid residue in CBS. Other variant(s) that disrupt this residue have been determined to be pathogenic (PMID: 14635102, 15365998, 21520339). This suggests that this residue is clinically significant, and that variants that disrupt this residue are likely to be disease-causing. In summary, the currently available evidence indicates that the variant is pathogenic, but additional data are needed to prove that conclusively. Therefore, this variant has been classified as Likely Pathogenic.

Literature cited by the submitters: PubMed 14635102 (cited by Labcorp Genetics (formerly Invitae), Labcorp); PubMed 15365998 (cited by Labcorp Genetics (formerly Invitae), Labcorp); PubMed 21520339 (cited by Labcorp Genetics (formerly Invitae), Labcorp).